The following is an entry in ClinVar:

NM_001267550.2(TTN):c.36854C>T (p.Pro12285Leu)

Gene: TTN (titin; minus strand). Cytogenetic location: 2q31.2.
Variant type: single nucleotide variant.
Coding change: c.36854C>T on transcript NM_001267550.2 (MANE Select); coding-DNA position 36854, C replaced by T.
Protein change: p.Pro12285Leu; replaces proline 12285 with leucine.
Molecular consequence: missense variant. On other transcripts: intron variant (5).
Genome position (GRCh38, 1-based): chr2:178,662,749, G>A on the plus strand (C>T on the coding strand, the complement: TTN is on the minus strand). VCF-style: chr2-178662749-G-A. GRCh37 (hg19) VCF-style: chr2-179527476-G-A.
Other names: c.34354+217C>T (NM_001256850.1); c.13283-20432C>T (NM_003319.4); c.13859-20432C>T (NM_133437.4); c.13658-20432C>T (NM_133432.3); c.31573+217C>T (NM_133378.4); short protein forms P12285L.
Identifiers: ClinVar variation 3026095 (VCV003026095.24), dbSNP rs1313474766, ClinGen allele CA349492824.

ClinVar aggregate classification (germline): Uncertain significance. Review status: criteria provided, multiple submitters, no conflicts (2 of 4 stars). 3 submissions from 3 submitters: Uncertain significance (3). Last evaluated 2026-09-18.

Conditions:
Hypertrophic cardiomyopathy 9. Also called: Familial hypertrophic cardiomyopathy 9. Identifiers: MedGen C1861065, MONDO:0013412, OMIM 613765.
Tibial muscular dystrophy (TMD). Also called: UDD MYOPATHY; Udd Distal Myopathy – Tibial Muscular Dystrophy; Tibial muscular dystrophy, tardive. Identifiers: Orphanet 609, MedGen C1838244, MONDO:0010870, OMIM 600334.
Autosomal recessive limb-girdle muscular dystrophy type 2J (LGMDR10). Also called: Limb-girdle muscular dystrophy, type 2J; MUSCULAR DYSTROPHY, LIMB-GIRDLE, AUTOSOMAL RECESSIVE 10. Identifiers: Orphanet 140922, MedGen C1837342, MONDO:0012127, OMIM 608807.
Early-onset myopathy with fatal cardiomyopathy (CMYO5). Also called: Salih Myopathy; CONGENITAL MYOPATHY 5 WITH CARDIOMYOPATHY. Identifiers: Orphanet 289377, MedGen C2673677, MONDO:0012714, OMIM 611705. Disease mechanism: loss of function.
Myopathy, myofibrillar, 9, with early respiratory failure (MFM9). Also called: Hereditary myopathy with early respiratory failure; EDSTROM MYOPATHY; MYOPATHY, PROXIMAL, WITH EARLY RESPIRATORY MUSCLE INVOLVEMENT; Myopathy, distal, with early respiratory failure, autosomal dominant. Identifiers: Orphanet 178464, Orphanet 34521, MedGen C1863599, MONDO:0011362, OMIM 603689.
Dilated cardiomyopathy 1G (CMD1G). Identifiers: Orphanet 154, MedGen C1858763, MONDO:0011400, OMIM 604145.
TTN-related disorder. Also called: TTN-related condition; TTN-related disease; TTN-related disorders.

Submissions (3):

PreventionGenetics, part of Exact Sciences
Classification: Uncertain significance for TTN-related condition. Last evaluated: 2026-09-18. Review status: criteria provided, single submitter. Criteria: ACMG Guidelines, 2015. Collection method: clinical testing. Allele origin: germline.
Comment: The TTN c.36854C>T variant is predicted to result in the amino acid substitution p.Pro12285Leu. To our knowledge, this variant has not been reported in the literature or in a large population database (gnomAD), indicating this variant is rare. At this time, the clinical significance of this variant is uncertain due to the absence of conclusive functional and genetic evidence.

CeGaT Center for Human Genetics Tuebingen
Classification: Uncertain significance. Last evaluated: 2024-02-01. Review status: criteria provided, single submitter. Criteria: CeGaT Center For Human Genetics Tuebingen Variant Classification Criteria Version 2. Collection method: clinical testing. Allele origin: germline. Affected: yes. Observed: 1 variant allele.
Comment: TTN: PM2:Supporting, BP4

Department of Pathology and Laboratory Medicine, Sinai Health System
Classification: Uncertain significance for Tibial muscular dystrophy; Myopathy, myofibrillar, 9, with early respiratory failure; Dilated cardiomyopathy 1G; Autosomal recessive limb-girdle muscular dystrophy type 2J; Early-onset myopathy with fatal cardiomyopathy; Hypertrophic cardiomyopathy 9. Last evaluated: 2022-03-15. Review status: criteria provided, single submitter. Criteria: ACMG Guidelines, 2015. Collection method: research. Allele origin: germline.